The following is an entry in ClinVar:

NM_014714.4(IFT140):c.481C>T (p.Pro161Ser)

Genes: IFT140 (intraflagellar transport 140; minus strand), LOC105371046 (uncharacterized LOC105371046; plus strand). Cytogenetic location: 16p13.3.
Variant type: single nucleotide variant.
Coding change: c.481C>T on transcript NM_014714.4 (MANE Select); coding-DNA position 481, C replaced by T.
Protein change: p.Pro161Ser; replaces proline 161 with serine.
Molecular consequence: missense variant.
Genome position (GRCh38, 1-based): chr16:1,592,477, G>A on the plus strand (C>T on the coding strand, the complement: IFT140 is on the minus strand). VCF-style: chr16-1592477-G-A. GRCh37 (hg19) VCF-style: chr16-1642478-G-A.
Other names: short protein forms P161S.
Identifiers: ClinVar variation 1413212 (VCV001413212.8), dbSNP rs148462329, ClinGen allele CA7814695.

ClinVar aggregate classification (germline): Uncertain significance. Review status: criteria provided, multiple submitters, no conflicts (2 of 4 stars). 3 submissions from 3 submitters: Uncertain significance (2). 1 of the submissions does not count toward it. Last evaluated 2022-11-29.

Conditions:
Retinal dystrophy. Also called: Inherited retinal dystrophy. Identifiers: Orphanet 71862, MedGen C0854723, MeSH D058499, MONDO:0019118, HP:0000556.
Saldino-Mainzer syndrome (SRTD9). Also called: Renal dysplasia, retinal pigmentary dystrophy, cerebellar ataxia and skeletal dysplasia; CONORENAL SYNDROME; SHORT-RIB THORACIC DYSPLASIA 9 WITHOUT POLYDACTYLY; short-rib thoracic dysplasia 9 with or without polydactyly. Identifiers: Orphanet 140969, MedGen C1849437, MONDO:0009964, OMIM 266920.

Allele frequency attached by ClinVar (database versions not stated): ESP Exome Variant Server 0.00008.
gnomAD v4.1: 23 of 1,614,062 alleles (0.0014%); highest among the groups gnomAD compares: Non-Finnish European, 0.0019%; no homozygotes.

Submissions (3):

Blueprint Genetics
Classification: Uncertain significance. Last evaluated: 2022-11-29. Review status: criteria provided, single submitter. Criteria: ACMG Guidelines, 2015. Collection method: clinical testing. Allele origin: germline.

Labcorp Genetics (formerly Invitae), Labcorp
Classification: Uncertain significance for Saldino-Mainzer syndrome. Last evaluated: 2022-02-04. Review status: criteria provided, single submitter. Criteria: Invitae Variant Classification Sherloc (09022015). Collection method: clinical testing. Allele origin: germline.
Comment: In summary, the available evidence is currently insufficient to determine the role of this variant in disease. Therefore, it has been classified as a Variant of Uncertain Significance. Algorithms developed to predict the effect of missense changes on protein structure and function (SIFT, PolyPhen-2, Align-GVGD) all suggest that this variant is likely to be tolerated. This variant has not been reported in the literature in individuals affected with IFT140-related conditions. This variant is present in population databases (rs148462329, gnomAD 0.003%). This sequence change replaces proline, which is neutral and non-polar, with serine, which is neutral and polar, at codon 161 of the IFT140 protein (p.Pro161Ser).

Institute of Human Genetics, Univ. Regensburg, Univ. Regensburg
Classification: Uncertain significance for Retinal dystrophy. Last evaluated: 2022-01-01. Review status: no assertion criteria provided. Criteria: ACMG Guidelines, 2015. Collection method: clinical testing. Allele origin: germline. Affected: yes. Not counted in ClinVar's aggregate classification.